The following is an entry in ClinVar:

ClinVar aggregate classification (germline): Likely benign (0 of 4 stars; one submission).

Conditions:
KDM3B-related disorder. Also called: KDM3B-related condition.

Allele frequency attached by ClinVar (database versions not stated): gnomAD 0.00003; ExAC 0.00004; TOPMed 0.00005; gnomAD exomes 0.00006.
gnomAD v4.1: 103 of 1,613,888 alleles (0.0064%); highest among the groups gnomAD compares: Non-Finnish European, 0.0081%; no homozygotes.

Submission:

PreventionGenetics, part of Exact Sciences
Classification: Likely benign for KDM3B-related condition. Last evaluated: 2022-07-26. Review status: no assertion criteria provided. Collection method: clinical testing. Allele origin: germline.
Comment: This variant is classified as likely benign based on ACMG/AMP sequence variant interpretation guidelines (Richards et al. 2015 PMID: 25741868, with internal and published modifications).

NM_016604.4(KDM3B):c.4194C>T (p.Asn1398=)

Gene: KDM3B (lysine demethylase 3B; plus strand). Cytogenetic location: 5q31.2.
Variant type: single nucleotide variant.
Coding change: c.4194C>T on transcript NM_016604.4 (MANE Select); coding-DNA position 4194, C replaced by T.
Protein change: p.Asn1398=; no amino-acid change (asparagine 1398 retained).
Molecular consequence: synonymous variant.
Genome position (GRCh38, 1-based): chr5:138,424,296, C>T. VCF-style: chr5-138424296-C-T. GRCh37 (hg19) VCF-style: chr5-137759985-C-T.
Identifiers: ClinVar variation 3058258 (VCV003058258.2), dbSNP rs201528454, ClinGen allele CA3429406.